The following is an entry in ClinVar:

NC_000005.10:g.112850837A>C

Variant type: single nucleotide variant.
Genome position: GRCh38 VCF-style: chr5-112850837-A-C. GRCh37 (hg19) VCF-style: chr5-112186534-A-C.
Identifiers: ClinVar variation 82671 (VCV000082671.3), dbSNP rs79021693, ClinGen allele CA250811.

ClinVar aggregate classification (germline): other (0 of 4 stars; one submission).

Conditions:
Familial colorectal cancer. Identifiers: MedGen CN280943, MONDO:0023113. Disease mechanism: loss of function.

Submission:

Systems Biology Platform Zhejiang California International NanoSystems Institute
Classification: other for Familial colorectal cancer. Review status: no assertion criteria provided. Collection method: not provided. Allele origin: unknown.
ClinVar note: Converted during submission from cancer to other.